The following is an entry in ClinVar:

NM_003073.5(SMARCB1):c.807T>C (p.His269=)

Gene: SMARCB1 (SWI/SNF related BAF chromatin remodeling complex subunit B1; plus strand). Cytogenetic location: 22q11.23.
Variant type: single nucleotide variant.
Coding change: c.807T>C on transcript NM_003073.5 (MANE Select); coding-DNA position 807, T replaced by C.
Protein change: p.His269=; no amino-acid change (histidine 269 retained).
Molecular consequence: synonymous variant.
Genome position (GRCh38, 1-based): chr22:23,825,236, T>C. VCF-style: chr22-23825236-T-C. GRCh37 (hg19) VCF-style: chr22-24167423-T-C.
Other names: c.780T>C, p.His260= (NM_001007468.3); c.834T>C, p.His278= (NM_001317946.2); c.861T>C, p.His287= (NM_001362877.2); c.807T>C (NM_003073.3).
Identifiers: ClinVar variation 1156799 (VCV001156799.23), dbSNP rs1185957677, ClinGen allele CA513738873.

ClinVar aggregate classification (germline): Likely benign. Review status: criteria provided, multiple submitters, no conflicts (2 of 4 stars). 3 submissions from 3 submitters: Likely benign (3). Last evaluated 2025-01-01.

Conditions:
Hereditary cancer-predisposing syndrome. Also called: Tumor predisposition; Hereditary neoplastic syndrome; Hereditary Cancer Syndrome; Neoplastic Syndromes, Hereditary. Identifiers: Orphanet 140162, MedGen C0027672, MeSH D009386, MONDO:0015356.

Allele frequency attached by ClinVar (database versions not stated): gnomAD exomes below 0.00001.
gnomAD v4.1: 1 of 1,613,976 alleles (0.000062%); highest among the groups gnomAD compares: South Asian, 0.0011%; no homozygotes.

Submissions (3):

CeGaT Center for Human Genetics Tuebingen
Classification: Likely benign. Last evaluated: 2025-01-01. Review status: criteria provided, single submitter. Criteria: CeGaT Center For Human Genetics Tuebingen Variant Classification Criteria Version 2. Collection method: clinical testing. Allele origin: germline. Affected: yes. Observed: 1 variant allele.
Comment: SMARCB1: BP4, BP7

Ambry Genetics
Classification: Likely benign for Hereditary cancer-predisposing syndrome. Last evaluated: 2024-05-04. Review status: criteria provided, single submitter. Criteria: Ambry Variant Classification Scheme 2023. Collection method: clinical testing. Allele origin: germline.

Labcorp Genetics (formerly Invitae), Labcorp
Classification: Likely benign. Last evaluated: 2024-02-18. Review status: criteria provided, single submitter. Criteria: Invitae Variant Classification Sherloc (09022015). Collection method: clinical testing. Allele origin: germline.